The following is an entry in ClinVar:

ClinVar aggregate classification (germline): Uncertain significance (1 of 4 stars; one submission).

Conditions:
CHARGE syndrome (CHARGE). Also called: Hittner Hirsch Kreh syndrome; CHARGE ASSOCIATION--COLOBOMA, HEART ANOMALY, CHOANAL ATRESIA, RETARDATION, GENITAL AND EAR ANOMALIES; Coloboma, heart anomaly, choanal atresia, retardation, genital and ear anomalies; CHARGE association; Hall-Hittner syndrome. Identifiers: Orphanet 138, MedGen C0265354, MONDO:0008965.

Allele frequency attached by ClinVar (database versions not stated): ExAC 0.00001; gnomAD 0.00001; gnomAD exomes 0.00001.
gnomAD v4.1: 11 of 1,613,628 alleles (0.00068%); highest among the groups gnomAD compares: South Asian, 0.0022%; no homozygotes.

Submission:

Labcorp Genetics (formerly Invitae), Labcorp
Classification: Uncertain significance for CHARGE syndrome. Last evaluated: 2024-10-21. Review status: criteria provided, single submitter. Criteria: Invitae Variant Classification Sherloc (09022015). Collection method: clinical testing. Allele origin: germline.
Comment: This sequence change replaces arginine, which is basic and polar, with histidine, which is basic and polar, at codon 204 of the SEMA3E protein (p.Arg204His). The frequency data for this variant in the population databases is considered unreliable, as metrics indicate poor data quality at this position in the gnomAD database. This variant has not been reported in the literature in individuals affected with SEMA3E-related conditions. ClinVar contains an entry for this variant (Variation ID: 2165041). Invitae Evidence Modeling of protein sequence and biophysical properties (such as structural, functional, and spatial information, amino acid conservation, physicochemical variation, residue mobility, and thermodynamic stability) indicates that this missense variant is expected to disrupt SEMA3E protein function with a positive predictive value of 80%. In summary, the available evidence is currently insufficient to determine the role of this variant in disease. Therefore, it has been classified as a Variant of Uncertain Significance.

NM_012431.3(SEMA3E):c.611G>A (p.Arg204His)

Gene: SEMA3E (semaphorin 3E; minus strand). Cytogenetic location: 7q21.11.
Variant type: single nucleotide variant.
Coding change: c.611G>A on transcript NM_012431.3 (MANE Select); coding-DNA position 611, G replaced by A.
Protein change: p.Arg204His; replaces arginine 204 with histidine.
Molecular consequence: missense variant.
Genome position (GRCh38, 1-based): chr7:83,408,427, C>T on the plus strand (G>A on the coding strand, the complement: SEMA3E is on the minus strand). VCF-style: chr7-83408427-C-T. GRCh37 (hg19) VCF-style: chr7-83037743-C-T.
Other names: c.431G>A, p.Arg144His (NM_001178129.2); short protein forms R144H, R204H.
Identifiers: ClinVar variation 2165041 (VCV002165041.4), dbSNP rs768302569, ClinGen allele CA4322275.